The following is an entry in ClinVar:

ClinVar aggregate classification (germline): Likely pathogenic (1 of 4 stars; one submission).

Conditions:
Delayed ability to walk. Also called: Delayed walking. Identifiers: MedGen C0241726, HP:0031936.

Submission:

Institute of Human Genetics, University of Leipzig Medical Center
Classification: Likely pathogenic for Delayed ability to walk. Last evaluated: 2022-05-06. Review status: criteria provided, single submitter. Criteria: ACMG Guidelines, 2015. Collection method: clinical testing. Allele origin: unknown. Affected: yes.
Comment: _x000D_ Criteria applied: PVS1, PM2_SUP

NM_006421.5(ARFGEF1):c.5128+1G>A

Gene: ARFGEF1 (ARF guanine nucleotide exchange factor 1; minus strand). Cytogenetic location: 8q13.2.
Variant type: single nucleotide variant.
Coding change: c.5128+1G>A on transcript NM_006421.5 (MANE Select); the canonical splice donor site of the intron after coding-DNA position 5128, G replaced by A.
Molecular consequence: splice donor variant.
Genome position (GRCh38, 1-based): chr8:67,203,082, C>T on the plus strand (G>A on the coding strand, the complement: ARFGEF1 is on the minus strand). VCF-style: chr8-67203082-C-T. GRCh37 (hg19) VCF-style: chr8-68115317-C-T.
Other names: c.5032+1G>A (NM_001413191.1); c.5128+1G>A (NM_001413194.1, NM_001413187.1, NM_001413184.1); c.4510+1G>A (NM_001413193.1); c.5110+1G>A (NM_001413189.1, NM_001413186.1, NM_001413185.1); c.4528+1G>A (NM_001413188.1, NM_001413197.1); c.3703+1G>A (NM_001413196.1); c.5122+1G>A (NM_001413190.1); c.5014+1G>A (NM_001413192.1).
Identifiers: ClinVar variation 1691847 (VCV001691847.1), dbSNP rs2129577314, ClinGen allele CA371209604.